The following is an entry in ClinVar:

NM_080916.3(DGUOK):c.358A>T (p.Lys120Ter)

Gene: DGUOK (deoxyguanosine kinase; plus strand). Cytogenetic location: 2p13.1.
Variant type: single nucleotide variant.
Coding change: c.358A>T on transcript NM_080916.3 (MANE Select); coding-DNA position 358, A replaced by T.
Protein change: p.Lys120Ter; replaces lysine 120 with a stop codon.
Molecular consequence: nonsense. On other transcripts: non-coding transcript variant (5).
Genome position (GRCh38, 1-based): chr2:73,946,821, A>T. VCF-style: chr2-73946821-A-T. GRCh37 (hg19) VCF-style: chr2-74173948-A-T.
Other names: c.358A>T, p.Lys120Ter (NM_001318859.2, NM_080918.3); c.67A>T, p.Lys23Ter (NM_001318860.2, NM_001318861.2, NM_001318862.2 and 1 more transcripts); short protein forms K120*, K23*.
Identifiers: ClinVar variation 3644108 (VCV003644108.2).

ClinVar aggregate classification (germline): Pathogenic (1 of 4 stars; one submission).

Submission:

Labcorp Genetics (formerly Invitae), Labcorp
Classification: Pathogenic. Last evaluated: 2024-03-02. Review status: criteria provided, single submitter. Criteria: Invitae Variant Classification Sherloc (09022015). Collection method: clinical testing. Allele origin: germline.
Comment: This sequence change creates a premature translational stop signal (p.Lys120*) in the DGUOK gene. It is expected to result in an absent or disrupted protein product. Loss-of-function variants in DGUOK are known to be pathogenic (PMID: 18205204). This variant is not present in population databases (gnomAD no frequency). This variant has not been reported in the literature in individuals affected with DGUOK-related conditions. Algorithms developed to predict the effect of sequence changes on RNA splicing suggest that this variant may disrupt the consensus splice site. For these reasons, this variant has been classified as Pathogenic.

Literature cited by the submitters: PubMed 18205204.